The following is an entry in ClinVar:

ClinVar aggregate classification (germline): Uncertain significance (1 of 4 stars; one submission).

Conditions:
Inborn genetic diseases. Identifiers: MedGen C0950123, MeSH D030342.

gnomAD v4.1: 1 of 1,613,900 alleles (0.000062%); highest among the groups gnomAD compares: African/African-American, 0.0013%; no homozygotes.

Submission:

Ambry Genetics
Classification: Uncertain significance for Inborn genetic diseases. Last evaluated: 2025-03-31. Review status: criteria provided, single submitter. Criteria: Ambry Variant Classification Scheme 2023. Collection method: clinical testing. Allele origin: germline.
Comment: The p.A78V variant (also known as c.233C>T), located in coding exon 2 of the MBD4 gene, results from a C to T substitution at nucleotide position 233. The alanine at codon 78 is replaced by valine, an amino acid with similar properties. This amino acid position is conserved. In addition, this alteration is predicted to be tolerated by in silico analysis. Based on the available evidence, the clinical significance of this variant remains unclear.

NM_001276270.2(MBD4):c.233C>T (p.Ala78Val)

Gene: MBD4 (methyl-CpG binding domain 4, DNA glycosylase; minus strand). Cytogenetic location: 3q21.3.
Variant type: single nucleotide variant.
Coding change: c.233C>T on transcript NM_001276270.2 (MANE Select); coding-DNA position 233, C replaced by T.
Protein change: p.Ala78Val; replaces alanine 78 with valine.
Molecular consequence: missense variant.
Genome position (GRCh38, 1-based): chr3:129,437,822, G>A on the plus strand (C>T on the coding strand, the complement: MBD4 is on the minus strand). VCF-style: chr3-129437822-G-A. GRCh37 (hg19) VCF-style: chr3-129156665-G-A.
Other names: c.233C>T, p.Ala78Val (NM_001276271.2, NM_001276272.2, NM_001276273.2 and 1 more transcripts); short protein forms A78V.
Identifiers: ClinVar variation 4052181 (VCV004052181.1).
Genomic context (GRCh38, chr3:129,437,822, plus strand): 5'-AACCTTTGCTTCACAACTCTTTCCCATCCACATGGGACAGACTTACGGCATTCTGTTCCT[G>A]CAGTAGCACCAAACTGAGCAGAAGCGATGGGTTCTTGTAGCAAGGGATTACATTCACTGC-3'
Protein context (NP_001263199.1, residues 68-88): PIASAQFGAT[Ala78Val]GTECRKSVPC